The following is an entry in ClinVar:

NM_015046.7(SETX):c.*168C>T

Gene: SETX (senataxin; minus strand). Cytogenetic location: 9q34.13.
Variant type: single nucleotide variant.
Coding change: c.*168C>T on transcript NM_015046.7 (MANE Select); 168 bases downstream of the stop codon, C replaced by T.
Molecular consequence: 3 prime UTR variant.
Genome position (GRCh38, 1-based): chr9:132,264,071, G>A on the plus strand (C>T on the coding strand, the complement: SETX is on the minus strand). VCF-style: chr9-132264071-G-A. GRCh37 (hg19) VCF-style: chr9-135139458-G-A.
Other names: c.*168C>T (NM_001351527.2, NM_001351528.2).
Identifiers: ClinVar variation 913822 (VCV000913822.4), dbSNP rs115351494, ClinGen allele CA200793114.

ClinVar aggregate classification (germline): Benign/Likely benign. Review status: criteria provided, single submitter (1 of 4 stars). 2 submissions from 1 submitter: Benign (1); Likely benign (1). Last evaluated 2018-01-12.

Conditions:
Amyotrophic lateral sclerosis type 4 (ALS4). Also called: AMYOTROPHIC LATERAL SCLEROSIS 4, JUVENILE; NEURONOPATHY, DISTAL HEREDITARY MOTOR, WITH PYRAMIDAL FEATURES. Identifiers: Orphanet 357043, MedGen C1865409, MONDO:0011223, OMIM 602433.
Spinocerebellar ataxia, autosomal recessive, with axonal neuropathy 2 (SCAN2). Also called: ATAXIA-OCULOMOTOR APRAXIA 2; Ataxia-ocular apraxia-2; Ataxia with Oculomotor Apraxia; Ataxia with Oculomotor Apraxia Type 2. Identifiers: Orphanet 64753, MedGen C1853761, MONDO:0018996, OMIM 606002.

Allele frequency attached by ClinVar (database versions not stated): gnomAD exomes 0.00022; gnomAD 0.00229 and 0.00245; 1000 Genomes Project 30x 0.00234; TOPMed 0.00274; 1000 Genomes Project 0.00319.
gnomAD v4.1: 526 of 901,660 alleles (0.058%); highest among the groups gnomAD compares: African/African-American, 0.76%; 3 homozygotes.

Submissions (2):

Illumina Laboratory Services, Illumina
Classification: Benign for Amyotrophic lateral sclerosis type 4. Last evaluated: 2018-01-12. Review status: criteria provided, single submitter. Criteria: ICSL Variant Classification Criteria 13 December 2019. Collection method: clinical testing. Allele origin: germline.
Comment: This variant was observed in the ICSL laboratory as part of a predisposition screen in an ostensibly healthy population. It had not been previously curated by ICSL or reported in the Human Gene Mutation Database (HGMD: prior to June 1st, 2018), and was therefore a candidate for classification through an automated scoring system. Utilizing variant allele frequency, disease prevalence and penetrance estimates, and inheritance mode, an automated score was calculated to assess if this variant is too frequent to cause the disease. Based on the score and internal cut-off values, a variant classified as benign is not then subjected to further curation. The score for this variant resulted in a classification of benign for this disease.

Illumina Laboratory Services, Illumina
Classification: Likely benign for Spinocerebellar ataxia, autosomal recessive, with axonal neuropathy 2. Last evaluated: 2018-01-12. Review status: criteria provided, single submitter. Criteria: ICSL Variant Classification Criteria 13 December 2019. Collection method: clinical testing. Allele origin: germline.
Comment: This variant was observed in the ICSL laboratory as part of a predisposition screen in an ostensibly healthy population. It had not been previously curated by ICSL or reported in the Human Gene Mutation Database (HGMD: prior to June 1st, 2018), and was therefore a candidate for classification through an automated scoring system. Utilizing variant allele frequency, disease prevalence and penetrance estimates, and inheritance mode, an automated score was calculated to assess if this variant is too frequent to cause the disease. Based on the score and internal cut-off values, a variant classified as likely benign is not then subjected to further curation. The score for this variant resulted in a classification of likely benign for this disease.